The following is an entry in ClinVar:

ClinVar aggregate classification (germline): Uncertain significance (1 of 4 stars; one submission).

gnomAD v4.1: 2 of 1,613,950 alleles (0.00012%); highest among the groups gnomAD compares: African/African-American, 0.0013%; no homozygotes.

Submission:

Ambry Genetics
Classification: Uncertain significance. Last evaluated: 2024-12-06. Review status: criteria provided, single submitter. Criteria: Ambry Variant Classification Scheme 2023. Collection method: clinical testing. Allele origin: germline.
Comment: The p.A1211S variant (also known as c.3631G>T), located in coding exon 13 of the CDK12 gene, results from a G to T substitution at nucleotide position 3631. The alanine at codon 1211 is replaced by serine, an amino acid with similar properties. This amino acid position is conserved. In addition, this alteration is predicted to be tolerated by in silico analysis. Based on the available evidence, the clinical significance of this variant remains unclear.

NM_016507.4(CDK12):c.3631G>T (p.Ala1211Ser)

Gene: CDK12 (cyclin dependent kinase 12; plus strand). Cytogenetic location: 17q12.
Variant type: single nucleotide variant.
Coding change: c.3631G>T on transcript NM_016507.4 (MANE Select); coding-DNA position 3631, G replaced by T.
Protein change: p.Ala1211Ser; replaces alanine 1211 with serine.
Molecular consequence: missense variant.
Genome position (GRCh38, 1-based): chr17:39,526,187, G>T. VCF-style: chr17-39526187-G-T. GRCh37 (hg19) VCF-style: chr17-37682440-G-T.
Other names: c.3631G>T, p.Ala1211Ser (NM_015083.4); short protein forms A1211S.
Identifiers: ClinVar variation 3489362 (VCV003489362.1).